The following is an entry in ClinVar:

NM_153676.4(USH1C):c.2419G>A (p.Gly807Ser)

Gene: USH1C (USH1 protein network component harmonin; minus strand). Cytogenetic location: 11p15.1.
Variant type: single nucleotide variant.
Coding change: c.2419G>A on transcript NM_153676.4 (MANE Select); coding-DNA position 2419, G replaced by A.
Protein change: p.Gly807Ser; replaces glycine 807 with serine.
Molecular consequence: missense variant. On other transcripts: non-coding transcript variant (1).
Genome position (GRCh38, 1-based): chr11:17,498,233, C>T on the plus strand (G>A on the coding strand, the complement: USH1C is on the minus strand). VCF-style: chr11-17498233-C-T. GRCh37 (hg19) VCF-style: chr11-17519780-C-T.
Other names: c.1462G>A, p.Gly488Ser (NM_001297764.2); c.1519G>A, p.Gly507Ser (NM_005709.4); short protein forms G507S, G807S, G488S.
Identifiers: ClinVar variation 178562 (VCV000178562.16), dbSNP rs142652588, ClinGen allele CA182562.
Genomic context (GRCh38, chr11:17,498,233, plus strand): 5'-TCCAGGCCTTCTGCAGGGCAGCCTCAGCCTCAGCCAGGGTGTAGTCTGTCACAATCTTGC[C>T]GTTGATTGCCATGATCTCGTCCCCTTTCACAATGCCACCTGCAGGCAGATGAGGCTGATT-3'
Protein context (NP_710142.1, residues 797-817): VKGDEIMAIN[Gly807Ser]KIVTDYTLAE

ClinVar aggregate classification (germline): Uncertain significance. Review status: criteria provided, multiple submitters, no conflicts (2 of 4 stars). 7 submissions from 7 submitters: Uncertain significance (6). 1 of the submissions does not count toward it. Last evaluated 2025-01-26.

Conditions:
Autosomal recessive nonsyndromic hearing loss 18A. Also called: DEAFNESS, AUTOSOMAL RECESSIVE 18; Deafness, autosomal recessive 18A. Identifiers: Orphanet 90636, MedGen C1865870, MONDO:0011192, OMIM 602092.
Usher syndrome type 1 (USH1). Also called: RETINITIS PIGMENTOSA AND CONGENITAL DEAFNESS. Identifiers: Orphanet 231169, Orphanet 886, MedGen C1568247, MONDO:0010168, OMIM 276900.
Usher syndrome type 1C. Also called: USHER SYNDROME, TYPE I, ACADIAN VARIETY. Identifiers: Orphanet 231169, Orphanet 886, MedGen C1848604, MONDO:0010171, OMIM 276904.

Allele frequency attached by ClinVar (database versions not stated): gnomAD 0.00011 and 0.00013; TOPMed 0.00012; ExAC 0.00015; gnomAD exomes 0.00017; ESP Exome Variant Server 0.00023.
gnomAD v4.1: 247 of 1,614,152 alleles (0.015%); highest among the groups gnomAD compares: Middle Eastern, 0.033%; no homozygotes.

Submissions (7):

GeneDx
Classification: Uncertain significance. Last evaluated: 2025-01-26. Review status: criteria provided, single submitter. Criteria: GeneDx Variant Classification Process June 2021. Collection method: clinical testing. Allele origin: germline. Affected: yes.
Comment: In silico analysis supports that this missense variant has a deleterious effect on protein structure/function; Has not been previously published as pathogenic or benign to our knowledge

Blueprint Genetics
Classification: Uncertain significance. Last evaluated: 2023-10-11. Review status: criteria provided, single submitter. Criteria: ACMG Guidelines, 2015. Collection method: clinical testing. Allele origin: germline.

Labcorp Genetics (formerly Invitae), Labcorp
Classification: Uncertain significance. Last evaluated: 2022-08-22. Review status: criteria provided, single submitter. Criteria: Invitae Variant Classification Sherloc (09022015). Collection method: clinical testing. Allele origin: germline.
Comment: This sequence change replaces glycine, which is neutral and non-polar, with serine, which is neutral and polar, at codon 507 of the USH1C protein (p.Gly507Ser). This variant is present in population databases (rs142652588, gnomAD 0.05%). This variant has not been reported in the literature in individuals affected with USH1C-related conditions. ClinVar contains an entry for this variant (Variation ID: 178562). Algorithms developed to predict the effect of missense changes on protein structure and function are either unavailable or do not agree on the potential impact of this missense change (SIFT: "Deleterious"; PolyPhen-2: "Probably Damaging"; Align-GVGD: "Class C0"). In summary, the available evidence is currently insufficient to determine the role of this variant in disease. Therefore, it has been classified as a Variant of Uncertain Significance.

Fulgent Genetics
Classification: Uncertain significance for Usher syndrome type 1; Usher syndrome type 1C; Autosomal recessive nonsyndromic hearing loss 18A. Last evaluated: 2021-09-07. Review status: criteria provided, single submitter. Criteria: ACMG Guidelines, 2015. Collection method: clinical testing. Allele origin: unknown.

Genomic Research Center, Shahid Beheshti University of Medical Sciences
Classification: Uncertain significance for Usher syndrome, type 1C. Last evaluated: 2019-04-27. Review status: criteria provided, single submitter. Criteria: ACMG Guidelines, 2015. Collection method: clinical testing. Allele origin: unknown. Affected: no.

Laboratory for Molecular Medicine, Mass General Brigham Personalized Medicine
Classification: Uncertain significance. Last evaluated: 2013-12-15. Review status: criteria provided, single submitter. Criteria: LMM Criteria. Collection method: clinical testing. Allele origin: germline. Observed: 1 variant allele.
Comment: The Gly807Ser variant in USH1C has not been previously reported in individuals w ith hearing loss, but has been identified in 0.03% (3/8586) of European American chromosomes by the NHLBI Exome Sequencing Project (/EVS/; dbSNP rs142652588). Computational analyses (biochemical amino acid proper ties, conservation, AlignGVGD, PolyPhen2, and SIFT) do not provide strong suppor t for or against an impact to the protein. In summary, additional data is neede d to determine the clinical significance of this variant.

Natera, Inc.
Classification: Uncertain significance for Usher syndrome type 1C. Last evaluated: 2020-04-11. Review status: no assertion criteria provided. Collection method: clinical testing. Allele origin: germline. Not counted in ClinVar's aggregate classification.